The following is an entry in ClinVar:

ClinVar aggregate classification (germline): Uncertain significance (1 of 4 stars; one submission).

Conditions:
Dilated cardiomyopathy 1JJ (CMD1JJ). Identifiers: Orphanet 154, MedGen C3808935, MONDO:0014095, OMIM 615235.

gnomAD v4.1: 9 of 1,613,566 alleles (0.00056%); highest among the groups gnomAD compares: Non-Finnish European, 0.00076%; no homozygotes.

Submission:

Labcorp Genetics (formerly Invitae), Labcorp
Classification: Uncertain significance for Dilated cardiomyopathy 1JJ. Last evaluated: 2024-04-01. Review status: criteria provided, single submitter. Criteria: Invitae Variant Classification Sherloc (09022015). Collection method: clinical testing. Allele origin: germline.
Comment: This sequence change replaces leucine, which is neutral and non-polar, with phenylalanine, which is neutral and non-polar, at codon 92 of the LAMA4 protein (p.Leu92Phe). This variant is not present in population databases (gnomAD no frequency). This variant has not been reported in the literature in individuals affected with LAMA4-related conditions. An algorithm developed to predict the effect of missense changes on protein structure and function (PolyPhen-2) suggests that this variant is likely to be disruptive. In summary, the available evidence is currently insufficient to determine the role of this variant in disease. Therefore, it has been classified as a Variant of Uncertain Significance.

NM_001105206.3(LAMA4):c.276G>T (p.Leu92Phe)

Gene: LAMA4 (laminin subunit alpha 4; minus strand). Cytogenetic location: 6q21.
Variant type: single nucleotide variant.
Coding change: c.276G>T on transcript NM_001105206.3 (MANE Select); coding-DNA position 276, G replaced by T.
Protein change: p.Leu92Phe; replaces leucine 92 with phenylalanine.
Molecular consequence: missense variant.
Genome position (GRCh38, 1-based): chr6:112,216,389, C>A on the plus strand (G>T on the coding strand, the complement: LAMA4 is on the minus strand). VCF-style: chr6-112216389-C-A. GRCh37 (hg19) VCF-style: chr6-112537590-C-A.
Other names: c.276G>T, p.Leu92Phe (NM_001105207.3, NM_002290.5); short protein forms L92F.
Identifiers: ClinVar variation 3648310 (VCV003648310.2).